The following is an entry in ClinVar:

NM_002295.6(RPSA):c.498+3A>C

Gene: RPSA (ribosomal protein SA; plus strand). Cytogenetic location: 3p22.1.
Variant type: single nucleotide variant.
Coding change: c.498+3A>C on transcript NM_002295.6 (MANE Select); 3 bases into the intron after coding-DNA position 498, A replaced by C.
Molecular consequence: intron variant.
Genome position (GRCh38, 1-based): chr3:39,411,002, A>C. VCF-style: chr3-39411002-A-C. GRCh37 (hg19) VCF-style: chr3-39452493-A-C.
Other names: c.513+3A>C (NM_001304288.2).
Identifiers: ClinVar variation 451245 (VCV000451245.1), dbSNP rs1553613392, ClinGen allele CA658657289.

ClinVar aggregate classification (germline): Uncertain significance (1 of 4 stars; one submission).

Submission:

GeneDx
Classification: Uncertain significance. Last evaluated: 2017-08-18. Review status: criteria provided, single submitter. Criteria: GeneDx Variant Classification (06012015). Collection method: clinical testing. Allele origin: germline. Affected: yes.
Comment: The c.498+3A>C variant in the RPSA gene has not been reported previously as a pathogenic variant, nor as a benign variant, to our knowledge. This variant is predicted to damage or destroy the splice donor site in intron 4, and is expected to cause abnormal gene splicing. However, in the absence of RNA/functional studies, the actual effect of c.498+3A>C in this individual is unknown. The c.498+3A>C variant is not observed at a significant frequency in large population cohorts (Lek et al., 2016; 1000 Genomes Consortium et al., 2015; Exome Variant Server). We interpret c.498+3A>C as a variant of uncertain significance.